The following is an entry in ClinVar:

NM_004168.4(SDHA):c.353A>G (p.Asn118Ser)

Gene: SDHA (succinate dehydrogenase complex flavoprotein subunit A; plus strand). Cytogenetic location: 5p15.33.
Variant type: single nucleotide variant.
Coding change: c.353A>G on transcript NM_004168.4 (MANE Select); coding-DNA position 353, A replaced by G.
Protein change: p.Asn118Ser; replaces asparagine 118 with serine.
Molecular consequence: missense variant. On other transcripts: intron variant (1).
Genome position (GRCh38, 1-based): chr5:225,459, A>G. VCF-style: chr5-225459-A-G. GRCh37 (hg19) VCF-style: chr5-225574-A-G.
Other names: c.353A>G (NM_004168.2); c.353A>G, p.Asn118Ser (NM_001330758.2); c.313-424A>G (NM_001294332.2); short protein forms N118S.
Identifiers: ClinVar variation 1416658 (VCV001416658.11), dbSNP rs987288514, ClinGen allele CA112815562.

ClinVar aggregate classification (germline): Conflicting classifications of pathogenicity. Review status: criteria provided, conflicting classifications (1 of 4 stars). 2 submissions from 2 submitters: Uncertain significance (1); Likely benign (1). Last evaluated 2026-02-06.

Conditions:
Mitochondrial complex II deficiency, nuclear type 1. Also called: SUCCINATE CoQ REDUCTASE DEFICIENCY. Identifiers: Orphanet 3208, MedGen C5700310, MONDO:0100294, OMIM 252011.
Pheochromocytoma/paraganglioma syndrome 5. Also called: Paragangliomas 5; SDHA-Related Hereditary Paraganglioma-Pheochromocytoma Syndrome. Identifiers: Orphanet 29072, MedGen C3279992, MONDO:0013602, OMIM 614165.
Hereditary cancer-predisposing syndrome. Also called: Tumor predisposition; Hereditary Cancer Syndrome; Hereditary neoplastic syndrome; Neoplastic Syndromes, Hereditary. Identifiers: Orphanet 140162, MedGen C0027672, MeSH D009386, MONDO:0015356.

Allele frequency attached by ClinVar (database versions not stated): gnomAD exomes below 0.00001; TOPMed below 0.00001.
gnomAD v4.1: 1 of 1,613,242 alleles (0.000062%); highest among the groups gnomAD compares: Non-Finnish European, 0.000085%; no homozygotes.

Submissions (2):

Ambry Genetics
Classification: Likely benign for Hereditary cancer-predisposing syndrome. Last evaluated: 2026-02-06. Review status: criteria provided, single submitter. Criteria: Ambry Variant Classification Scheme 2023. Collection method: clinical testing. Allele origin: germline.

Labcorp Genetics (formerly Invitae), Labcorp
Classification: Uncertain significance for Pheochromocytoma/paraganglioma syndrome 5; Mitochondrial complex II deficiency, nuclear type 1. Last evaluated: 2023-10-04. Review status: criteria provided, single submitter. Criteria: Invitae Variant Classification Sherloc (09022015). Collection method: clinical testing. Allele origin: germline.
Comment: This sequence change replaces asparagine, which is neutral and polar, with serine, which is neutral and polar, at codon 118 of the SDHA protein (p.Asn118Ser). This variant is not present in population databases (gnomAD no frequency). This variant has not been reported in the literature in individuals affected with SDHA-related conditions. ClinVar contains an entry for this variant (Variation ID: 1416658). Advanced modeling of protein sequence and biophysical properties (such as structural, functional, and spatial information, amino acid conservation, physicochemical variation, residue mobility, and thermodynamic stability) performed at Invitae indicates that this missense variant is not expected to disrupt SDHA protein function. Experimental studies have shown that this missense change does not substantially affect SDHA function (PMID: 28724664). In summary, the available evidence is currently insufficient to determine the role of this variant in disease. Therefore, it has been classified as a Variant of Uncertain Significance.

Literature cited by the submitters: PubMed 28724664 (cited by Labcorp Genetics (formerly Invitae), Labcorp).